The following is an entry in ClinVar:

NM_001170629.2(CHD8):c.3338G>A (p.Arg1113His)

Gene: CHD8 (chromodomain helicase DNA binding protein 8; minus strand). Cytogenetic location: 14q11.2.
Variant type: single nucleotide variant.
Coding change: c.3338G>A on transcript NM_001170629.2 (MANE Select); coding-DNA position 3338, G replaced by A.
Protein change: p.Arg1113His; replaces arginine 1113 with histidine.
Molecular consequence: missense variant.
Genome position (GRCh38, 1-based): chr14:21,403,633, C>T on the plus strand (G>A on the coding strand, the complement: CHD8 is on the minus strand). VCF-style: chr14-21403633-C-T. GRCh37 (hg19) VCF-style: chr14-21871792-C-T.
Other names: c.2501G>A, p.Arg834His (NM_020920.4); short protein forms R1113H, R834H.
Identifiers: ClinVar variation 421798 (VCV000421798.6), dbSNP rs182713755, ClinGen allele CA16619835.

ClinVar aggregate classification (germline): Uncertain significance. Review status: criteria provided, multiple submitters, no conflicts (2 of 4 stars). 2 submissions from 2 submitters: Uncertain significance (2). Last evaluated 2024-10-08.

Allele frequency attached by ClinVar (database versions not stated): gnomAD exomes below 0.00001; gnomAD 0.00001; TOPMed 0.00002.
gnomAD v4.1: 7 of 1,600,670 alleles (0.00044%); highest among the groups gnomAD compares: Admixed American, 0.0052%; no homozygotes.

Submissions (2):

Labcorp Genetics (formerly Invitae), Labcorp
Classification: Uncertain significance. Last evaluated: 2024-10-08. Review status: criteria provided, single submitter. Criteria: Invitae Variant Classification Sherloc (09022015). Collection method: clinical testing. Allele origin: germline.
Comment: This sequence change replaces arginine, which is basic and polar, with histidine, which is basic and polar, at codon 1113 of the CHD8 protein (p.Arg1113His). The frequency data for this variant in the population databases is considered unreliable, as metrics indicate poor data quality at this position in the gnomAD database. This missense change has been observed in individual(s) with autism spectrum disorder (PMID: 37007974). ClinVar contains an entry for this variant (Variation ID: 421798). Invitae Evidence Modeling of protein sequence and biophysical properties (such as structural, functional, and spatial information, amino acid conservation, physicochemical variation, residue mobility, and thermodynamic stability) has been performed for this missense variant. However, the output from this modeling did not meet the statistical confidence thresholds required to predict the impact of this variant on CHD8 protein function. In summary, the available evidence is currently insufficient to determine the role of this variant in disease. Therefore, it has been classified as a Variant of Uncertain Significance.

GeneDx
Classification: Uncertain significance. Last evaluated: 2023-08-02. Review status: criteria provided, single submitter. Criteria: GeneDx Variant Classification Process June 2021. Collection method: clinical testing. Allele origin: germline. Affected: yes.
Comment: Not observed at significant frequency in large population cohorts (gnomAD); In silico analysis supports that this missense variant has a deleterious effect on protein structure/function; Has not been previously published as pathogenic or benign to our knowledge

Literature cited by the submitters: PubMed 37007974 (cited by Labcorp Genetics (formerly Invitae), Labcorp).